The following is an entry in ClinVar:

NM_000179.3(MSH6):c.2324A>T (p.Lys775Met)

Gene: MSH6 (mutS homolog 6; plus strand). Cytogenetic location: 2p16.3.
Variant type: single nucleotide variant.
Coding change: c.2324A>T on transcript NM_000179.3 (MANE Select); coding-DNA position 2324, A replaced by T.
Protein change: p.Lys775Met; replaces lysine 775 with methionine.
Molecular consequence: missense variant. On other transcripts: non-coding transcript variant (5), intron variant (3).
Genome position (GRCh38, 1-based): chr2:47,800,307, A>T. VCF-style: chr2-47800307-A-T. GRCh37 (hg19) VCF-style: chr2-48027446-A-T.
Other names: c.2027A>T, p.Lys676Met (NM_001406830.1, NM_001406797.1, NM_001406801.1 and 10 more transcripts); c.2308+16A>T (NM_001406803.1); c.1606+718A>T (NM_001406817.1); c.628-359A>T (NM_001407362.1); c.1934A>T, p.Lys645Met (NM_001281492.2); c.1418A>T, p.Lys473Met (NM_001281493.2, NM_001281494.2, NM_001406811.1 and 6 more transcripts); c.2420A>T, p.Lys807Met (NM_001406795.1, NM_001406802.1); c.2324A>T, p.Lys775Met (NM_001406796.1, NM_001406798.1, NM_001406800.1 and 2 more transcripts); and 4 more; short protein forms K473M, K600M, K645M, K676M, K719M, K749M, K775M, K777M.
Identifiers: ClinVar variation 3072092 (VCV003072092.1), dbSNP rs2104400831, ClinGen allele CA346753262.

ClinVar aggregate classification (germline): Uncertain significance (1 of 4 stars; one submission).

Conditions:
Lynch syndrome. Identifiers: Orphanet 144, MedGen C4552100, MONDO:0005835. Disease mechanism: loss of function.

Submission:

All of Us Research Program, National Institutes of Health
Classification: Uncertain significance for Lynch syndrome. Last evaluated: 2023-06-28. Review status: criteria provided, single submitter. Criteria: ACMG Guidelines, 2015. Collection method: clinical testing. Allele origin: germline. Inheritance: Autosomal dominant inheritance. Observed: 1 variant allele, 1 heterozygote.
Comment: This study involves interpretation of variants in research participants for the purpose of population health screening. Participant phenotype was not available at the time of variant classification. Additional details can be found in publication PMID: 35346344, PMCID: PMC8962531